The following is an entry in ClinVar:

NM_001354604.2(MITF):c.1046A>G (p.Asn349Ser)

Gene: MITF (melanocyte inducing transcription factor; plus strand). Cytogenetic location: 3p13.
Variant type: single nucleotide variant.
Coding change: c.1046A>G on transcript NM_001354604.2 (MANE Select); coding-DNA position 1046, A replaced by G.
Protein change: p.Asn349Ser; replaces asparagine 349 with serine.
Molecular consequence: missense variant.
Genome position (GRCh38, 1-based): chr3:69,959,287, A>G. VCF-style: chr3-69959287-A-G. GRCh37 (hg19) VCF-style: chr3-70008438-A-G.
Other names: c.725A>G, p.Asn242Ser (NM_000248.4); c.872A>G, p.Asn291Ser (NM_001184967.2, NM_001354608.2); c.1043A>G, p.Asn348Ser (NM_001354605.2); c.1025A>G, p.Asn342Ser (NM_001354606.2, NM_006722.3); c.977A>G, p.Asn326Ser (NM_001354607.2); c.707A>G, p.Asn236Ser (NM_198158.3); c.1028A>G, p.Asn343Ser (NM_198159.3); c.980A>G, p.Asn327Ser (NM_198177.3); and 1 more; short protein forms N180S, N236S, N242S, N291S, N326S, N327S, N342S, N343S.
Identifiers: ClinVar variation 4860060 (VCV004860060.1).

ClinVar aggregate classification (germline): Uncertain significance (1 of 4 stars; one submission).

Conditions:
Hereditary cancer-predisposing syndrome. Also called: Neoplastic Syndromes, Hereditary; Tumor predisposition; Hereditary Cancer Syndrome; Hereditary neoplastic syndrome. Identifiers: Orphanet 140162, MedGen C0027672, MeSH D009386, MONDO:0015356.

Submission:

Ambry Genetics
Classification: Uncertain significance for Hereditary cancer-predisposing syndrome. Last evaluated: 2026-04-16. Review status: criteria provided, single submitter. Criteria: Ambry Variant Classification Scheme 2023. Collection method: clinical testing. Allele origin: germline.
Comment: The p.N242S variant (also known as c.725A>G), located in coding exon 8 of the MITF gene, results from an A to G substitution at nucleotide position 725. The asparagine at codon 242 is replaced by serine, an amino acid with highly similar properties. This amino acid position is conserved. In addition, the in silico prediction for this alteration is inconclusive. Based on the available evidence, the clinical significance of this variant remains unclear.